The following is an entry in ClinVar:

ClinVar aggregate classification (germline): Uncertain significance. Review status: criteria provided, multiple submitters, no conflicts (2 of 4 stars). 2 submissions from 2 submitters: Uncertain significance (2). Last evaluated 2026-08-05.

Conditions:
Inborn genetic diseases. Identifiers: MedGen C0950123, MeSH D030342.
Beckwith-Wiedemann syndrome (BWS). Also called: EMG SYNDROME; Exomphalos macroglossia gigantism syndrome. Identifiers: Orphanet 116, MedGen C0004903, MONDO:0007534, OMIM 130650.

Submissions (2):

Ambry Genetics
Classification: Uncertain significance for Inborn genetic diseases. Last evaluated: 2026-08-05. Review status: criteria provided, single submitter. Criteria: Ambry Variant Classification Scheme 2023. Collection method: clinical testing. Allele origin: germline.

Labcorp Genetics (formerly Invitae), Labcorp
Classification: Uncertain significance for Beckwith-Wiedemann syndrome. Last evaluated: 2021-12-30. Review status: criteria provided, single submitter. Criteria: Invitae Variant Classification Sherloc (09022015). Collection method: clinical testing. Allele origin: germline.
Comment: This variant is not present in population databases (gnomAD no frequency). In summary, the available evidence is currently insufficient to determine the role of this variant in disease. Therefore, it has been classified as a Variant of Uncertain Significance. Algorithms developed to predict the effect of sequence changes on RNA splicing suggest that this variant may create or strengthen a splice site. Algorithms developed to predict the effect of missense changes on protein structure and function (SIFT, PolyPhen-2, Align-GVGD) all suggest that this variant is likely to be tolerated. This variant has not been reported in the literature in individuals affected with CDKN1C-related conditions. This sequence change replaces alanine, which is neutral and non-polar, with valine, which is neutral and non-polar, at codon 105 of the CDKN1C protein (p.Ala105Val).

NM_001122630.2(CDKN1C):c.281C>T (p.Ala94Val)

Gene: CDKN1C (cyclin dependent kinase inhibitor 1C; minus strand). Cytogenetic location: 11p15.4.
Variant type: single nucleotide variant.
Coding change: c.281C>T on transcript NM_001122630.2 (MANE Select); coding-DNA position 281, C replaced by T.
Protein change: p.Ala94Val; replaces alanine 94 with valine.
Molecular consequence: missense variant. On other transcripts: intron variant (1).
Genome position (GRCh38, 1-based): chr11:2,885,176, G>A on the plus strand (C>T on the coding strand, the complement: CDKN1C is on the minus strand). VCF-style: chr11-2885176-G-A. GRCh37 (hg19) VCF-style: chr11-2906406-G-A.
Other names: c.314C>T, p.Ala105Val (NM_000076.2, NM_001362474.2); c.281C>T, p.Ala94Val (NM_001122631.2); c.255+26C>T (NM_001362475.2); short protein forms A105V, A94V.
Identifiers: ClinVar variation 2179870 (VCV002179870.5), dbSNP rs2494389196, ClinGen allele CA379146972.